The following is an entry in ClinVar:

ClinVar aggregate classification (germline): Likely pathogenic. Review status: reviewed by expert panel (3 of 4 stars). 4 submissions from 4 submitters: Likely pathogenic (1). 3 of the submissions do not count toward it. Last evaluated 2022-09-20.

Conditions:
Very long chain acyl-CoA dehydrogenase deficiency (ACADVLD). Also called: VLCAD Deficiency; Very Long-Chain Acyl-Coenzyme A Dehydrogenase Deficiency. Identifiers: Orphanet 26793, MedGen C3887523, MONDO:0008723, OMIM 201475.

Allele frequency attached by ClinVar (database versions not stated): gnomAD exomes below 0.00001.

Submissions (4):

ClinGen ACADVL Variant Curation Expert Panel, ClinGen
Classification: Likely pathogenic for Very long chain acyl-CoA dehydrogenase deficiency. Last evaluated: 2022-09-20. Review status: reviewed by expert panel. Criteria: clingen acadvl acmg specifications v1. Collection method: curation. Allele origin: germline. Inheritance: Autosomal recessive inheritance.
Comment: The c.1102_1103del; p.Gln368Valfs*26 variant in ACADVL results in a frameshift predicted to cause a premature stop codon in biologically relevant exon 11/20 leading to nonsense mediated decay in a gene in which loss-of-function is an established disease mechanism (PVS1: PMIDs 9973285, 11590124). This variant is absent from gnomAD population database v2.1.1 (PM2_Supporting). The ACADVL Variant Curation Expert Panel VCEP classified the variant as likely pathogenic based on (PVS1,PM2_supporting).

Fulgent Genetics
Classification: Likely pathogenic for Very long chain acyl-CoA dehydrogenase deficiency. Last evaluated: 2024-05-09. Review status: criteria provided, single submitter. Criteria: ACMG Guidelines, 2015. Collection method: clinical testing. Allele origin: germline. Not counted in ClinVar's aggregate classification.

Labcorp Genetics (formerly Invitae), Labcorp
Classification: Pathogenic for Very long chain acyl-CoA dehydrogenase deficiency. Last evaluated: 2023-03-07. Review status: criteria provided, single submitter. Criteria: Invitae Variant Classification Sherloc (09022015). Collection method: clinical testing. Allele origin: germline. Not counted in ClinVar's aggregate classification.
Comment: For these reasons, this variant has been classified as Pathogenic. ClinVar contains an entry for this variant (Variation ID: 618506). This premature translational stop signal has been observed in individual(s) with very long-chain acyl-CoA dehydrogenase deficiency (PMID: 28755359). This variant is not present in population databases (gnomAD no frequency). This sequence change creates a premature translational stop signal (p.Gln368Valfs*26) in the ACADVL gene. It is expected to result in an absent or disrupted protein product. Loss-of-function variants in ACADVL are known to be pathogenic (PMID: 9973285, 11590124).

ARUP Laboratories, Molecular Genetics and Genomics, ARUP Laboratories
Classification: Pathogenic. Last evaluated: 2017-05-05. Review status: criteria provided, single submitter. Criteria: ARUP Molecular Germline Variant Investigation Process. Collection method: clinical testing. Allele origin: germline. Not counted in ClinVar's aggregate classification.

Literature cited by the submitters: PubMed 28755359 (cited by Labcorp Genetics (formerly Invitae), Labcorp); PubMed 9973285 (cited by Labcorp Genetics (formerly Invitae), Labcorp); PubMed 11590124 (cited by Labcorp Genetics (formerly Invitae), Labcorp).

NM_000018.4(ACADVL):c.1102_1103del (p.Gln368fs)

Gene: ACADVL (acyl-CoA dehydrogenase very long chain; plus strand). Cytogenetic location: 17p13.1.
Variant type: Deletion.
Coding change: c.1102_1103del on transcript NM_000018.4 (MANE Select); coding-DNA positions 1102 to 1103, 2 bases deleted (CA; older notation c.1102_1103delCA).
Protein change: p.Gln368fs; shifts the reading frame from glutamine 368.
Molecular consequence: frameshift variant.
Genome position (GRCh38, 1-based): chr17:7,223,157-7,223,158, CA deleted. VCF-style (leftmost placement, unchanged base first): chr17-7223156-CCA-C. GRCh37 (hg19) VCF-style: chr17-7126475-CCA-C.
Other names: NM_000018.4(ACADVL):c.1102_1103del; p.Gln368fs; c.1036_1037del, p.Gln346fs (NM_001033859.3); c.1171_1172del, p.Gln391fs (NM_001270447.2); c.874_875del, p.Gln292fs (NM_001270448.2); c.874_875delCA (NM_001270448.1); short protein forms Q292fs, Q346fs, Q368fs, Q391fs.
Identifiers: ClinVar variation 618506 (VCV000618506.16), dbSNP rs1567566228, ClinGen allele CA913190951.